The following is an entry in ClinVar:

ClinVar aggregate classification (germline): Pathogenic (1 of 4 stars; one submission).

Submission:

Labcorp Genetics (formerly Invitae), Labcorp
Classification: Pathogenic. Last evaluated: 2023-04-26. Review status: criteria provided, single submitter. Criteria: Invitae Variant Classification Sherloc (09022015). Collection method: clinical testing. Allele origin: germline.
Comment: For these reasons, this variant has been classified as Pathogenic. This variant has not been reported in the literature in individuals affected with MYO7A-related conditions. This variant is not present in population databases (gnomAD no frequency). This sequence change creates a premature translational stop signal (p.Ser1522Lysfs*14) in the MYO7A gene. It is expected to result in an absent or disrupted protein product. Loss-of-function variants in MYO7A are known to be pathogenic (PMID: 8900236, 25404053).

Literature cited by the submitters: PubMed 8900236; PubMed 25404053.

NM_000260.4(MYO7A):c.4564dup (p.Ser1522fs)

Gene: MYO7A (myosin VIIA; plus strand). Cytogenetic location: 11q13.5.
Variant type: Duplication.
Coding change: c.4564dup on transcript NM_000260.4 (MANE Select); coding-DNA position 4564, one base duplicated (A; older notation c.4564dupA).
Protein change: p.Ser1522fs; shifts the reading frame from serine 1522.
Molecular consequence: frameshift variant.
Genome position (GRCh38, 1-based): chr11:77,198,617, A duplicated. VCF-style (leftmost placement, unchanged base first): chr11-77198616-C-CA. GRCh37 (hg19) VCF-style: chr11-76909661-C-CA.
Other names: c.4564dup, p.Ser1522fs (NM_001127180.2); c.4531dup, p.Ser1511fs (NM_001369365.1); short protein forms S1511fs, S1522fs.
Identifiers: ClinVar variation 2859515 (VCV002859515.3), dbSNP rs2497569607, ClinGen allele CA2739270711.